The following is an entry in ClinVar:

NM_001365536.1(SCN9A):c.363G>T (p.Lys121Asn)

Gene: SCN9A (sodium voltage-gated channel alpha subunit 9; minus strand). Cytogenetic location: 2q24.3.
Variant type: single nucleotide variant.
Coding change: c.363G>T on transcript NM_001365536.1 (MANE Select); coding-DNA position 363, G replaced by T.
Protein change: p.Lys121Asn; replaces lysine 121 with asparagine.
Molecular consequence: missense variant.
Genome position (GRCh38, 1-based): chr2:166,306,970, C>A on the plus strand (G>T on the coding strand, the complement: SCN9A is on the minus strand). VCF-style: chr2-166306970-C-A. GRCh37 (hg19) VCF-style: chr2-167163480-C-A.
Other names: c.363G>T, p.Lys121Asn (NM_002977.4); short protein forms K121N.
Identifiers: ClinVar variation 1406985 (VCV001406985.6), dbSNP rs1252818338, ClinGen allele CA349095538.
Genomic context (GRCh38, chr2:166,306,970, plus strand): 5'-TTACACCATAAAGTGCCACTGGATGTAATCATTTTTAAAAGGATATGAGTGTACTAAAAT[C>A]TTAATAGATATTCTTCTTAGAGGACTGAAAGGAGAAAGCATATATAAAGCAGGTGTGGCA-3'
Protein context (NP_001352465.1, residues 111-131): PFSPLRRISI[Lys121Asn]ILVHSLFSML

ClinVar aggregate classification (germline): Uncertain significance (1 of 4 stars; one submission).

Conditions:
Neuropathy, hereditary sensory and autonomic, type 2A (HSAN2A). Also called: WNK1-Related HSAN2 (HSAN2A); MORVAN DISEASE; NEUROPATHY, CONGENITAL SENSORY; NEUROPATHY, HEREDITARY SENSORY RADICULAR, AUTOSOMAL RECESSIVE; NEUROPATHY, HEREDITARY SENSORY, TYPE IIA; NEUROPATHY, PROGRESSIVE SENSORY, OF CHILDREN. Identifiers: Orphanet 970, MedGen C2752089, MONDO:0024309, OMIM 201300.
Generalized epilepsy with febrile seizures plus, type 7 (GEFSP7). Also called: GEFS+, TYPE 7. Identifiers: Orphanet 36387, MedGen C2751778, MONDO:0013470, OMIM 613863.

Submission:

Labcorp Genetics (formerly Invitae), Labcorp
Classification: Uncertain significance for Neuropathy, hereditary sensory and autonomic, type 2A; Generalized epilepsy with febrile seizures plus, type 7. Last evaluated: 2026-02-02. Review status: criteria provided, single submitter. Criteria: Invitae Variant Classification Sherloc (09022015). Collection method: clinical testing. Allele origin: germline.
Comment: This sequence change replaces lysine, which is basic and polar, with asparagine, which is neutral and polar, at codon 121 of the SCN9A protein (p.Lys121Asn). This variant is not present in population databases (gnomAD no frequency). This variant has not been reported in the literature in individuals affected with SCN9A-related conditions. ClinVar contains an entry for this variant (Variation ID: 1406985). Invitae Evidence Modeling of protein sequence and biophysical properties (such as structural, functional, and spatial information, amino acid conservation, physicochemical variation, residue mobility, and thermodynamic stability) indicates that this missense variant is not expected to disrupt SCN9A protein function with a negative predictive value of 95%. In summary, the available evidence is currently insufficient to determine the role of this variant in disease. Therefore, it has been classified as a Variant of Uncertain Significance.